The following is an entry in ClinVar:

ClinVar aggregate classification (germline): Uncertain significance. Review status: criteria provided, multiple submitters, no conflicts (2 of 4 stars). 3 submissions from 3 submitters: Uncertain significance (3). Last evaluated 2024-08-14.

Conditions:
Cardiovascular phenotype. Identifiers: MedGen CN230736.
Brugada syndrome 8 (BRGDA8). Identifiers: Orphanet 130, MedGen C2751083, MONDO:0013148, OMIM 613123.

gnomAD v4.1: 3 of 1,558,138 alleles (0.00019%); highest among the groups gnomAD compares: Non-Finnish European, 0.00026%; no homozygotes.

Submissions (3):

Labcorp Genetics (formerly Invitae), Labcorp
Classification: Uncertain significance for Brugada syndrome 8. Last evaluated: 2024-08-14. Review status: criteria provided, single submitter. Criteria: Invitae Variant Classification Sherloc (09022015). Collection method: clinical testing. Allele origin: germline.
Comment: This sequence change replaces leucine, which is neutral and non-polar, with arginine, which is basic and polar, at codon 925 of the HCN4 protein (p.Leu925Arg). This variant is not present in population databases (gnomAD no frequency). This variant has not been reported in the literature in individuals affected with HCN4-related conditions. ClinVar contains an entry for this variant (Variation ID: 1366318). Invitae Evidence Modeling of protein sequence and biophysical properties (such as structural, functional, and spatial information, amino acid conservation, physicochemical variation, residue mobility, and thermodynamic stability) indicates that this missense variant is not expected to disrupt HCN4 protein function with a negative predictive value of 95%. In summary, the available evidence is currently insufficient to determine the role of this variant in disease. Therefore, it has been classified as a Variant of Uncertain Significance.

GeneDx
Classification: Uncertain significance. Last evaluated: 2024-07-19. Review status: criteria provided, single submitter. Criteria: GeneDx Variant Classification Process June 2021. Collection method: clinical testing. Allele origin: germline. Affected: yes.
Comment: Not observed at significant frequency in large population cohorts (gnomAD); In silico analysis indicates that this missense variant does not alter protein structure/function; Has not been previously published as pathogenic or benign to our knowledge

Ambry Genetics
Classification: Uncertain significance for Cardiovascular phenotype. Last evaluated: 2023-10-15. Review status: criteria provided, single submitter. Criteria: Ambry Variant Classification Scheme 2023. Collection method: clinical testing. Allele origin: germline.
Comment: The p.L925R variant (also known as c.2774T>G), located in coding exon 8 of the HCN4 gene, results from a T to G substitution at nucleotide position 2774. The leucine at codon 925 is replaced by arginine, an amino acid with dissimilar properties. This amino acid position is conserved. In addition, the in silico prediction for this alteration is inconclusive. Since supporting evidence is limited at this time, the clinical significance of this alteration remains unclear.

NM_005477.3(HCN4):c.2774T>G (p.Leu925Arg)

Gene: HCN4 (hyperpolarization activated cyclic nucleotide gated potassium channel 4; minus strand). Cytogenetic location: 15q24.1.
Variant type: single nucleotide variant.
Coding change: c.2774T>G on transcript NM_005477.3 (MANE Select); coding-DNA position 2774, T replaced by G.
Protein change: p.Leu925Arg; replaces leucine 925 with arginine.
Molecular consequence: missense variant.
Genome position (GRCh38, 1-based): chr15:73,323,319, A>C on the plus strand (T>G on the coding strand, the complement: HCN4 is on the minus strand). VCF-style: chr15-73323319-A-C. GRCh37 (hg19) VCF-style: chr15-73615660-A-C.
Other names: c.2774T>G (NM_005477.2); short protein forms L925R.
Identifiers: ClinVar variation 1366318 (VCV001366318.10), dbSNP rs375712962, ClinGen allele CA393088066.
Genomic context (GRCh38, chr15:73,323,319, plus strand): 5'-GGCGCGGGAGATGGCTGGGCAGCCTGCGGGGAGCGGGCGCCTGGCTGCAGCGGGGTGAGC[A>C]GGGGAGAGTCGGAGGAGGACAGGGAGCCACCCAGCGCCTTGTGGAAGTGGCCAAACCCGG-3'
Protein context (NP_005468.1, residues 915-935): GGSLSSSDSP[Leu925Arg]LTPLQPGARS